The following is an entry in ClinVar:

NM_021098.3(CACNA1H):c.3929C>T (p.Thr1310Ile)

Gene: CACNA1H (calcium voltage-gated channel subunit alpha1 H; plus strand). Cytogenetic location: 16p13.3.
Variant type: single nucleotide variant.
Coding change: c.3929C>T on transcript NM_021098.3 (MANE Select); coding-DNA position 3929, C replaced by T.
Protein change: p.Thr1310Ile; replaces threonine 1310 with isoleucine.
Molecular consequence: missense variant.
Genome position (GRCh38, 1-based): chr16:1,210,453, C>T. VCF-style: chr16-1210453-C-T. GRCh37 (hg19) VCF-style: chr16-1260453-C-T.
Other names: c.3929C>T, p.Thr1310Ile (NM_001005407.2); short protein forms T1310I.
Identifiers: ClinVar variation 1028714 (VCV001028714.2), dbSNP rs949144433, ClinGen allele CA276666856.
Genomic context (GRCh38, chr16:1,210,453, plus strand): 5'-TCATCACACACAAGATGTTTGATCACGTGGTCCTCGTCTTCATCTTCCTCAACTGCGTCA[C>T]CATCGCCCTGGAGAGGCCTGACATTGATCCCGGCAGCACCGTGAGTCAGCCAACCCCATC-3'
Protein context (NP_066921.2, residues 1300-1320): VLVFIFLNCV[Thr1310Ile]IALERPDIDP

ClinVar aggregate classification (germline): Uncertain significance. Review status: criteria provided, multiple submitters, no conflicts (2 of 4 stars). 2 submissions from 2 submitters: Uncertain significance (2). Last evaluated 2024-03-27.

Conditions:
Epilepsy, childhood absence, susceptibility to, 6. Identifiers: Orphanet 64280, MedGen C2749872, MONDO:0012763, OMIM 611942.
Hyperaldosteronism, familial, type IV (HALD4). Also called: FH IV; ALDOSTERONISM, PRIMARY, AND HYPERTENSION. Identifiers: Orphanet 642671, MedGen C4310756, MONDO:0014875, OMIM 617027.

Allele frequency attached by ClinVar (database versions not stated): gnomAD exomes 0.00001; TOPMed 0.00001.
gnomAD v4.1: 12 of 1,612,030 alleles (0.00074%); highest among the groups gnomAD compares: Non-Finnish European, 0.001%; no homozygotes.

Submissions (2):

Fulgent Genetics
Classification: Uncertain significance for Epilepsy, childhood absence, susceptibility to, 6; Hyperaldosteronism, familial, type IV. Last evaluated: 2024-03-27. Review status: criteria provided, single submitter. Criteria: ACMG Guidelines, 2015. Collection method: clinical testing. Allele origin: germline.

Baylor Genetics
Classification: Uncertain significance for Epilepsy, childhood absence, susceptibility to, 6. Last evaluated: 2020-07-27. Review status: criteria provided, single submitter. Criteria: ACMG Guidelines, 2015. Collection method: clinical testing. Allele origin: unknown. Affected: yes.
Comment: This variant was determined to be of uncertain significance according to ACMG Guidelines, 2015 [PMID:25741868].